The following is an entry in ClinVar:

ClinVar aggregate classification (germline): Uncertain significance (1 of 4 stars; one submission).

Submission:

CeGaT Center for Human Genetics Tuebingen
Classification: Uncertain significance. Last evaluated: 2024-02-01. Review status: criteria provided, single submitter. Criteria: CeGaT Center For Human Genetics Tuebingen Variant Classification Criteria Version 2. Collection method: clinical testing. Allele origin: germline. Affected: yes. Observed: 1 variant allele.
Comment: FLT4: PM2, PS2:Moderate

NM_182925.5(FLT4):c.1534G>A (p.Glu512Lys)

Gene: FLT4 (fms related receptor tyrosine kinase 4; minus strand). Cytogenetic location: 5q35.3.
Variant type: single nucleotide variant.
Coding change: c.1534G>A on transcript NM_182925.5 (MANE Select); coding-DNA position 1534, G replaced by A.
Protein change: p.Glu512Lys; replaces glutamic acid 512 with lysine.
Molecular consequence: missense variant.
Genome position (GRCh38, 1-based): chr5:180,623,949, C>T on the plus strand (G>A on the coding strand, the complement: FLT4 is on the minus strand). VCF-style: chr5-180623949-C-T. GRCh37 (hg19) VCF-style: chr5-180050949-C-T.
Other names: c.1534G>A, p.Glu512Lys (NM_001354989.2, NM_002020.5); short protein forms E512K.
Identifiers: ClinVar variation 3027331 (VCV003027331.22), dbSNP rs2127822380, ClinGen allele CA362504158.